The following is an entry in ClinVar:

ClinVar aggregate classification (germline): Uncertain significance. Review status: criteria provided, multiple submitters, no conflicts (2 of 4 stars). 5 submissions from 5 submitters: Uncertain significance (4). 1 of the submissions does not count toward it. Last evaluated 2024-10-16.

Conditions:
VPS13B-related disorder. Also called: VPS13B-related condition.
Cohen syndrome (COH1). Also called: PEPPER SYNDROME; Cutis verticis gyrata, retinitis pigmentosa, and sensorineural deafness. Identifiers: Orphanet 193, MedGen C0265223, MONDO:0008999, OMIM 216550.

Allele frequency attached by ClinVar (database versions not stated): gnomAD 0.00001; TOPMed 0.00001.

Submissions (5):

Blueprint Genetics
Classification: Uncertain significance. Last evaluated: 2024-10-16. Review status: criteria provided, single submitter. Criteria: ACMG Guidelines, 2015. Collection method: clinical testing. Allele origin: germline.

Labcorp Genetics (formerly Invitae), Labcorp
Classification: Uncertain significance for Cohen syndrome. Last evaluated: 2023-11-27. Review status: criteria provided, single submitter. Criteria: Invitae Variant Classification Sherloc (09022015). Collection method: clinical testing. Allele origin: germline.
Comment: This sequence change replaces isoleucine, which is neutral and non-polar, with leucine, which is neutral and non-polar, at codon 652 of the VPS13B protein (p.Ile652Leu). This variant is not present in population databases (gnomAD no frequency). This variant has not been reported in the literature in individuals affected with VPS13B-related conditions. ClinVar contains an entry for this variant (Variation ID: 361044). Advanced modeling of protein sequence and biophysical properties (such as structural, functional, and spatial information, amino acid conservation, physicochemical variation, residue mobility, and thermodynamic stability) performed at Invitae indicates that this missense variant is not expected to disrupt VPS13B protein function with a negative predictive value of 80%. In summary, the available evidence is currently insufficient to determine the role of this variant in disease. Therefore, it has been classified as a Variant of Uncertain Significance.

Fulgent Genetics
Classification: Uncertain significance for Cohen syndrome. Last evaluated: 2021-07-06. Review status: criteria provided, single submitter. Criteria: ACMG Guidelines, 2015. Collection method: clinical testing. Allele origin: unknown.

Illumina Laboratory Services, Illumina
Classification: Uncertain significance for Cohen syndrome. Last evaluated: 2018-01-13. Review status: criteria provided, single submitter. Criteria: ICSL Variant Classification Criteria 13 December 2019. Collection method: clinical testing. Allele origin: germline.

PreventionGenetics, part of Exact Sciences
Classification: Uncertain significance for VPS13B-related condition. Last evaluated: 2024-08-07. Review status: no assertion criteria provided. Collection method: clinical testing. Allele origin: germline. Not counted in ClinVar's aggregate classification.
Comment: The VPS13B c.1954A>C variant is predicted to result in the amino acid substitution p.Ile652Leu. To our knowledge, this variant has not been reported in the literature or in a large population database, indicating this variant is rare. At this time, the clinical significance of this variant is uncertain due to the absence of conclusive functional and genetic evidence.

NM_152564.5(VPS13B):c.1954A>C (p.Ile652Leu)

Gene: VPS13B (vacuolar protein sorting 13 homolog B; plus strand). Cytogenetic location: 8q22.2.
Variant type: single nucleotide variant.
Coding change: c.1954A>C on transcript NM_152564.5 (MANE Select); coding-DNA position 1954, A replaced by C.
Protein change: p.Ile652Leu; replaces isoleucine 652 with leucine.
Molecular consequence: missense variant.
Genome position (GRCh38, 1-based): chr8:99,147,951, A>C. VCF-style: chr8-99147951-A-C. GRCh37 (hg19) VCF-style: chr8-100160179-A-C.
Other names: c.1954A>C, p.Ile652Leu (NM_015243.3, NM_017890.5); c.1954A>C (NM_152564.4); short protein forms I652L.
Identifiers: ClinVar variation 361044 (VCV000361044.11), dbSNP rs886062537, ClinGen allele CA10628496.
Genomic context (GRCh38, chr8:99,147,951, plus strand): 5'-CTGGAGGAATATATTCCTACTCGACATACAAGTGTTACTCTCCTCAAATGTACCTGCACA[A>C]TTTCCATGGCTGAATTCAACTTGCTGGACCATTTACTACCTGTCATTATGGGAGAAAAGG-3'
Protein context (NP_689777.3, residues 642-662): SVTLLKCTCT[Ile652Leu]SMAEFNLLDH